The following is an entry in ClinVar:

ClinVar aggregate classification (germline): Likely benign. Review status: criteria provided, multiple submitters, no conflicts (2 of 4 stars). 3 submissions from 3 submitters: Likely benign (3). Last evaluated 2025-05-02.

Conditions:
RYR1-related disorder. Also called: RYR1-related condition; RYR1-related disorders. Identifiers: MedGen CN239331.
Malignant hyperthermia, susceptibility to, 1 (MHS1). Also called: RYR1-Related Malignant Hyperthermia Susceptibility; Anesthesia related hyperthermia; Malignant hyperpyrexia; Fulminating hyperpyrexia; Pharmacogenic myopathy; Malignant hyperthermia suceptibility 1. Identifiers: Orphanet 423, MedGen C2930980, MONDO:0007783, OMIM 145600.

Allele frequency attached by ClinVar (database versions not stated): gnomAD exomes 0.00001; TOPMed 0.00001; ExAC 0.00002.
gnomAD v4.1: 17 of 1,613,400 alleles (0.0011%); highest among the groups gnomAD compares: Non-Finnish European, 0.0014%; no homozygotes.

Submissions (3):

Labcorp Genetics (formerly Invitae), Labcorp
Classification: Likely benign for RYR1-related disorder. Last evaluated: 2025-05-02. Review status: criteria provided, single submitter. Criteria: Invitae Variant Classification Sherloc (09022015). Collection method: clinical testing. Allele origin: germline.

All of Us Research Program, National Institutes of Health
Classification: Likely benign for Malignant hyperthermia, susceptibility to, 1. Last evaluated: 2023-06-15. Review status: criteria provided, single submitter. Criteria: ACMG Guidelines, 2015. Collection method: clinical testing. Allele origin: germline. Inheritance: Autosomal dominant inheritance. Observed: 2 variant alleles, 2 heterozygotes.
Comment: This study involves interpretation of variants in research participants for the purpose of population health screening. Participant phenotype was not available at the time of variant classification. Additional details can be found in publication PMID: 35346344, PMCID: PMC8962531

CeGaT Center for Human Genetics Tuebingen
Classification: Likely benign. Last evaluated: 2022-08-01. Review status: criteria provided, single submitter. Criteria: CeGaT Center For Human Genetics Tuebingen Variant Classification Criteria Version 2. Collection method: clinical testing. Allele origin: germline. Affected: yes. Observed: 1 variant allele.
Comment: RYR1: BP4

NM_000540.3(RYR1):c.11260-5C>T

Gene: RYR1 (ryanodine receptor 1; plus strand). Cytogenetic location: 19q13.2.
Variant type: single nucleotide variant.
Coding change: c.11260-5C>T on transcript NM_000540.3 (MANE Select); 5 bases into the intron before coding-DNA position 11260, C replaced by T.
Molecular consequence: intron variant.
Genome position (GRCh38, 1-based): chr19:38,534,715, C>T. VCF-style: chr19-38534715-C-T. GRCh37 (hg19) VCF-style: chr19-39025355-C-T.
Other names: c.11245-5C>T (NM_001042723.2).
Identifiers: ClinVar variation 1096244 (VCV001096244.33), dbSNP rs747319417, ClinGen allele CA056627.